The following is an entry in ClinVar:

ClinVar aggregate classification (germline): Uncertain significance. Review status: criteria provided, multiple submitters, no conflicts (2 of 4 stars). 3 submissions from 3 submitters: Uncertain significance (2). 1 of the submissions does not count toward it. Last evaluated 2021-08-26.

Conditions:
Cardiovascular phenotype. Identifiers: MedGen CN230736.
Duchenne muscular dystrophy (DMD). Also called: MUSCULAR DYSTROPHY, PSEUDOHYPERTROPHIC PROGRESSIVE, DUCHENNE TYPE; Duchenne Muscular Dystrophy (DMD). Identifiers: Orphanet 98896, MedGen C0013264, MONDO:0010679, OMIM 310200.
Dystrophin deficiency.
Becker muscular dystrophy (BMD). Also called: MUSCULAR DYSTROPHY, PSEUDOHYPERTROPHIC PROGRESSIVE, BECKER TYPE; Becker Muscular Dystrophy (BMD). Identifiers: Orphanet 98895, MedGen C0917713, MONDO:0010311, OMIM 300376.
Cardiomyopathy (CMYO). Also called: Cardiomyopathies. Identifiers: Orphanet 167848, MedGen C0878544, MONDO:0004994, HP:0001638. Inheritance: Various modes of inheritance.

Allele frequency attached by ClinVar (database versions not stated): TOPMed 0.00001; gnomAD exomes 0.00005.
gnomAD v4.1: 52 of 1,201,345 alleles (0.0043%); highest among the groups gnomAD compares: Non-Finnish European, 0.0058%; no homozygotes.

Submissions (3):

Labcorp Genetics (formerly Invitae), Labcorp
Classification: Uncertain significance for Duchenne muscular dystrophy. Last evaluated: 2021-08-26. Review status: criteria provided, single submitter. Criteria: Invitae Variant Classification Sherloc (09022015). Collection method: clinical testing. Allele origin: germline.
Comment: This sequence change replaces glycine with serine at codon 1111 of the DMD protein (p.Gly1111Ser). The glycine residue is moderately conserved and there is a small physicochemical difference between glycine and serine. This variant is not present in population databases (ExAC no frequency). This variant has not been reported in the literature in individuals affected with DMD-related conditions. Algorithms developed to predict the effect of missense changes on protein structure and function output the following: SIFT: "Tolerated"; PolyPhen-2: "Probably Damaging"; Align-GVGD: "Class C0". The serine amino acid residue is found in multiple mammalian species, which suggests that this missense change does not adversely affect protein function. In summary, the available evidence is currently insufficient to determine the role of this variant in disease. Therefore, it has been classified as a Variant of Uncertain Significance.

Ambry Genetics
Classification: Uncertain significance for Cardiovascular phenotype. Last evaluated: 2019-08-14. Review status: criteria provided, single submitter. Criteria: Ambry Variant Classification Scheme 2023. Collection method: clinical testing. Allele origin: germline.
Comment: The p.G1111S variant (also known as c.3331G>A), located in coding exon 25 of the DMD gene, results from a G to A substitution at nucleotide position 3331. The glycine at codon 1111 is replaced by serine, an amino acid with similar properties. This amino acid position is not well conserved in available vertebrate species, and serine is the reference amino acid in other vertebrate species. In addition, this alteration is predicted to be tolerated by in silico analysis. Since supporting evidence is limited at this time, the clinical significance of this alteration remains unclear.

Natera, Inc.
Classification: Uncertain significance for Becker muscular dystrophy; Cardiomyopathy; Duchenne muscular dystrophy; Dystrophin deficiency. Last evaluated: 2018-10-17. Review status: no assertion criteria provided. Collection method: clinical testing. Allele origin: germline. Not counted in ClinVar's aggregate classification.

NM_004006.3(DMD):c.3331G>A (p.Gly1111Ser)

Gene: DMD (dystrophin; minus strand). Cytogenetic location: Xp21.1.
Variant type: single nucleotide variant.
Coding change: c.3331G>A on transcript NM_004006.3 (MANE Select); coding-DNA position 3331, G replaced by A.
Protein change: p.Gly1111Ser; replaces glycine 1111 with serine.
Molecular consequence: missense variant.
Genome position (GRCh38, 1-based): chrX:32,463,540, C>T on the plus strand (G>A on the coding strand, the complement: DMD is on the minus strand). VCF-style: chrX-32463540-C-T. GRCh37 (hg19) VCF-style: chrX-32481657-C-T.
Other names: c.3307G>A, p.Gly1103Ser (NM_000109.4); c.3319G>A, p.Gly1107Ser (NM_004009.3); c.2962G>A, p.Gly988Ser (NM_004010.3); short protein forms G1111S, G988S, G1103S, G1107S.
Identifiers: ClinVar variation 950428 (VCV000950428.7), dbSNP rs2098390878, ClinGen allele CA412664514.
Genomic context (GRCh38, chrX:32,463,540, plus strand): 5'-GTTCTGTCTCAAGTCTCGAAGCAAACTCTGGCTCTGCTTCATTCTTTATCTTCTGCCCAC[C>T]TTCATTGACACTGTTTAGACTGGGCTGAATTGTCTGAATATCACTGACTAAAAGCTAAGA-3'
Protein context (NP_003997.2, residues 1101-1121): IQPSLNSVNE[Gly1111Ser]GQKIKNEAEP